The following is an entry in ClinVar:

NM_001145809.2(MYH14):c.6013G>A (p.Glu2005Lys)

Gene: MYH14 (myosin heavy chain 14; plus strand). Cytogenetic location: 19q13.33.
Variant type: single nucleotide variant.
Coding change: c.6013G>A on transcript NM_001145809.2 (MANE Select); coding-DNA position 6013, G replaced by A.
Protein change: p.Glu2005Lys; replaces glutamic acid 2005 with lysine.
Molecular consequence: missense variant.
Genome position (GRCh38, 1-based): chr19:50,309,692, G>A. VCF-style: chr19-50309692-G-A. GRCh37 (hg19) VCF-style: chr19-50812949-G-A.
Other names: c.5914G>A, p.Glu1972Lys (NM_001077186.2); c.5890G>A, p.Glu1964Lys (NM_024729.4); short protein forms E1964K, E1972K, E2005K.
Identifiers: ClinVar variation 1494035 (VCV001494035.7), dbSNP rs765145417, ClinGen allele CA9593983.
Genomic context (GRCh38, chr19:50,309,692, plus strand): 5'-CCCCACAGACGCGGCCCCCTCACCTTCACCACCCGCACGGTGCGCCAGGTCTTCCGACTA[G>A]AGGAGGGCGTGGCATCCGACGAGGAGGCAGAGGAAGCACAGCCTGGGTCTGGGCCATCCC-3'
Protein context (NP_001139281.1, residues 1995-2015): TRTVRQVFRL[Glu2005Lys]EGVASDEEAE

ClinVar aggregate classification (germline): Uncertain significance (1 of 4 stars; one submission).

Allele frequency attached by ClinVar (database versions not stated): gnomAD 0.00001; TOPMed 0.00001.
gnomAD v4.1: 5 of 1,609,212 alleles (0.00031%); highest among the groups gnomAD compares: South Asian, 0.0022%; no homozygotes.

Submission:

Labcorp Genetics (formerly Invitae), Labcorp
Classification: Uncertain significance. Last evaluated: 2022-08-23. Review status: criteria provided, single submitter. Criteria: Invitae Variant Classification Sherloc (09022015). Collection method: clinical testing. Allele origin: germline.
Comment: In summary, the available evidence is currently insufficient to determine the role of this variant in disease. Therefore, it has been classified as a Variant of Uncertain Significance. Algorithms developed to predict the effect of missense changes on protein structure and function are either unavailable or do not agree on the potential impact of this missense change (SIFT: "Deleterious"; PolyPhen-2: "Not Available"; Align-GVGD: "Class C55"). ClinVar contains an entry for this variant (Variation ID: 1494035). This variant has not been reported in the literature in individuals affected with MYH14-related conditions. This variant is present in population databases (rs765145417, gnomAD 0.003%). This sequence change replaces glutamic acid, which is acidic and polar, with lysine, which is basic and polar, at codon 1964 of the MYH14 protein (p.Glu1964Lys).